The following is an entry in ClinVar:

NM_000274.4(OAT):c.1272G>T (p.Glu424Asp)

Gene: OAT (ornithine aminotransferase; minus strand). Cytogenetic location: 10q26.13.
Variant type: single nucleotide variant.
Coding change: c.1272G>T on transcript NM_000274.4 (MANE Select); coding-DNA position 1272, G replaced by T.
Protein change: p.Glu424Asp; replaces glutamic acid 424 with aspartic acid.
Molecular consequence: missense variant.
Genome position (GRCh38, 1-based): chr10:124,397,990, C>A on the plus strand (G>T on the coding strand, the complement: OAT is on the minus strand). VCF-style: chr10-124397990-C-A. GRCh37 (hg19) VCF-style: chr10-126086559-C-A.
Other names: c.858G>T, p.Glu286Asp (NM_001171814.2); c.1272G>T, p.Glu424Asp (NM_001322965.2, NM_001322966.2, NM_001322967.2 and 3 more transcripts); c.951G>T, p.Glu317Asp (NM_001322971.2); c.672G>T, p.Glu224Asp (NM_001322974.2); short protein forms E286D, E424D, E224D, E317D.
Identifiers: ClinVar variation 1496148 (VCV001496148.5), dbSNP rs1170702129, ClinGen allele CA378633050.

ClinVar aggregate classification (germline): Uncertain significance (1 of 4 stars; one submission).

Conditions:
Ornithine aminotransferase deficiency (GACR). Also called: Ornithine ketoacid aminotransferase deficiency; Gyrate atrophy; Gyrate atrophy of choroid and retina; Girate atrophy of the retina; HYPERORNITHINEMIA WITH GYRATE ATROPHY OF CHOROID AND RETINA; OAT DEFICIENCY. Identifiers: Orphanet 414, MedGen C0018425, MONDO:0009796, OMIM 258870.

gnomAD v4.1: 1 of 1,613,962 alleles (0.000062%); highest among the groups gnomAD compares: Admixed American, 0.0017%; no homozygotes.

Submission:

Labcorp Genetics (formerly Invitae), Labcorp
Classification: Uncertain significance for Ornithine aminotransferase deficiency. Last evaluated: 2024-07-29. Review status: criteria provided, single submitter. Criteria: Invitae Variant Classification Sherloc (09022015). Collection method: clinical testing. Allele origin: germline.
Comment: This sequence change replaces glutamic acid, which is acidic and polar, with aspartic acid, which is acidic and polar, at codon 424 of the OAT protein (p.Glu424Asp). This variant is not present in population databases (gnomAD no frequency). This variant has not been reported in the literature in individuals affected with OAT-related conditions. ClinVar contains an entry for this variant (Variation ID: 1496148). Advanced modeling of protein sequence and biophysical properties (such as structural, functional, and spatial information, amino acid conservation, physicochemical variation, residue mobility, and thermodynamic stability) performed at Invitae indicates that this missense variant is not expected to disrupt OAT protein function with a negative predictive value of 80%. In summary, the available evidence is currently insufficient to determine the role of this variant in disease. Therefore, it has been classified as a Variant of Uncertain Significance.